The following is an entry in ClinVar:

NM_000051.4(ATM):c.3937G>A (p.Glu1313Lys)

Gene: ATM (ATM serine/threonine kinase; plus strand). Cytogenetic location: 11q22.3.
Variant type: single nucleotide variant.
Coding change: c.3937G>A on transcript NM_000051.4 (MANE Select); coding-DNA position 3937, G replaced by A.
Protein change: p.Glu1313Lys; replaces glutamic acid 1313 with lysine.
Molecular consequence: missense variant.
Genome position (GRCh38, 1-based): chr11:108,284,417, G>A. VCF-style: chr11-108284417-G-A. GRCh37 (hg19) VCF-style: chr11-108155144-G-A.
Other names: c.3937G>A, p.Glu1313Lys (NM_001351834.2); short protein forms E1313K.
Identifiers: ClinVar variation 4169204 (VCV004169204.1).

ClinVar aggregate classification (germline): Uncertain significance (1 of 4 stars; one submission).

Conditions:
Hereditary cancer-predisposing syndrome. Also called: Neoplastic Syndromes, Hereditary; Tumor predisposition; Hereditary Cancer Syndrome; Hereditary neoplastic syndrome. Identifiers: Orphanet 140162, MedGen C0027672, MeSH D009386, MONDO:0015356.

Submission:

Ambry Genetics
Classification: Uncertain significance for Hereditary cancer-predisposing syndrome. Last evaluated: 2025-07-08. Review status: criteria provided, single submitter. Criteria: Ambry Variant Classification Scheme 2023. Collection method: clinical testing. Allele origin: germline.
Comment: The p.E1313K variant (also known as c.3937G>A), located in coding exon 25 of the ATM gene, results from a G to A substitution at nucleotide position 3937. The glutamic acid at codon 1313 is replaced by lysine, an amino acid with similar properties. This amino acid position is not well conserved in available vertebrate species. In addition, the in silico prediction for this alteration is inconclusive. Based on the available evidence, the clinical significance of this variant remains unclear.